The following is an entry in ClinVar:

ClinVar aggregate classification (germline): Pathogenic/Likely pathogenic. Review status: criteria provided, multiple submitters, no conflicts (2 of 4 stars). 2 submissions from 2 submitters: Pathogenic (1); Likely pathogenic (1). Last evaluated 2022-12-12.

Conditions:
Early-infantile DEE. Also called: Early infantile epileptic encephalopathy; Ohtahara syndrome; Early infantile epileptic encephalopathy with suppression bursts. Identifiers: Orphanet 1934, MedGen C0393706, MONDO:0800491.

Submissions (2):

Labcorp Genetics (formerly Invitae), Labcorp
Classification: Pathogenic for Early-infantile DEE. Last evaluated: 2022-12-12. Review status: criteria provided, single submitter. Criteria: Invitae Variant Classification Sherloc (09022015). Collection method: clinical testing. Allele origin: germline.
Comment: For these reasons, this variant has been classified as Pathogenic. This variant disrupts the p.Val1315 amino acid residue in SCN8A. Other variant(s) that disrupt this residue have been determined to be pathogenic (PMID: 26993267, 29432985, 31026061). This suggests that this residue is clinically significant, and that variants that disrupt this residue are likely to be disease-causing. This sequence change replaces valine, which is neutral and non-polar, with leucine, which is neutral and non-polar, at codon 1315 of the SCN8A protein (p.Val1315Leu). This variant is not present in population databases (gnomAD no frequency). This missense change has been observed in individual(s) with clinical features of SCN8A-related conditions (PMID: 29432985; Invitae). In at least one individual the variant was observed to be de novo. ClinVar contains an entry for this variant (Variation ID: 432948). Algorithms developed to predict the effect of missense changes on protein structure and function are either unavailable or do not agree on the potential impact of this missense change (SIFT: "Deleterious"; PolyPhen-2: "Probably Damaging"; Align-GVGD: "Class C0"). Algorithms developed to predict the effect of sequence changes on RNA splicing suggest that this variant may create or strengthen a splice site.

GeneDx
Classification: Likely pathogenic. Last evaluated: 2017-06-23. Review status: criteria provided, single submitter. Criteria: GeneDx Variant Classification (06012015). Collection method: clinical testing. Allele origin: germline. Affected: yes.
Comment: A novel c.3943 G>T variant that is likely pathogenic has been identified in the SCN8A gene. The c.3943 G>T variant has not been published as a pathogenic variant, nor has it been reported as a benign variant to our knowledge. The c.3943 G>T variant is not observed in large population cohorts (Lek et al., 2016; 1000 Genomes Consortium et al., 2015; Exome Variant Server). Several in-silico splice prediction models predict that c.3943 G>T may damage the natural splice acceptor site and lead to abnormal gene splicing. However, in the absence of RNA/functional studies, the actual effect of this sequence change in this individual is unknown. If c.3943 G>T does not alter splicing, it will result in the V1315L missense change, which is a conservative amino acid substitution. This substitution occurs at a position that is conserved across species, and in silico analysis predicts this variant is probably damaging to the protein structure/function. A different missense substitution at the same position (V1315M) has been reported previously as a de novo change in an individual with early infantile epileptic encephalopathy (Trump et al., 2016). Therefore, the V1315L variant is likely pathogenic; however, the possibility that it is benign cannot be excluded.

Literature cited by the submitters: PubMed 26993267 (cited by Labcorp Genetics (formerly Invitae), Labcorp); PubMed 29432985 (cited by Labcorp Genetics (formerly Invitae), Labcorp); PubMed 31026061 (cited by Labcorp Genetics (formerly Invitae), Labcorp).

NM_001330260.2(SCN8A):c.3943G>T (p.Val1315Leu)

Gene: SCN8A (sodium voltage-gated channel alpha subunit 8; plus strand). Cytogenetic location: 12q13.13.
Variant type: single nucleotide variant.
Coding change: c.3943G>T on transcript NM_001330260.2 (MANE Select); coding-DNA position 3943, G replaced by T.
Protein change: p.Val1315Leu; replaces valine 1315 with leucine.
Molecular consequence: missense variant.
Genome position (GRCh38, 1-based): chr12:51,786,542, G>T. VCF-style: chr12-51786542-G-T. GRCh37 (hg19) VCF-style: chr12-52180326-G-T.
Other names: c.3820G>T, p.Val1274Leu (NM_001177984.3, NM_001369788.1); c.3943G>T, p.Val1315Leu (NM_014191.4); short protein forms V1315L, V1274L.
Identifiers: ClinVar variation 432948 (VCV000432948.8), dbSNP rs1555228303, ClinGen allele CA384904256.